The following is an entry in ClinVar:

ClinVar aggregate classification (germline): Uncertain significance (1 of 4 stars; one submission).

Conditions:
RASopathy. Also called: rasopathies; Noonan spectrum disorder. Identifiers: Orphanet 536391, MedGen C5555857, MONDO:0021060.

Allele frequency attached by ClinVar (database versions not stated): gnomAD exomes below 0.00001.
gnomAD v4.1: 2 of 1,614,182 alleles (0.00012%); highest among the groups gnomAD compares: Non-Finnish European, 0.000085%; no homozygotes.

Submission:

Labcorp Genetics (formerly Invitae), Labcorp
Classification: Uncertain significance for RASopathy. Last evaluated: 2025-10-02. Review status: criteria provided, single submitter. Criteria: Invitae Variant Classification Sherloc (09022015). Collection method: clinical testing. Allele origin: germline.
Comment: This sequence change replaces aspartic acid, which is acidic and polar, with glycine, which is neutral and non-polar, at codon 633 of the RAF1 protein (p.Asp633Gly). This variant is not present in population databases (gnomAD no frequency). This variant has not been reported in the literature in individuals affected with RAF1-related conditions. ClinVar contains an entry for this variant (Variation ID: 2065031). Invitae Evidence Modeling of protein sequence and biophysical properties (such as structural, functional, and spatial information, amino acid conservation, physicochemical variation, residue mobility, and thermodynamic stability) indicates that this missense variant is expected to disrupt RAF1 protein function with a positive predictive value of 95%. Algorithms developed to predict the effect of sequence changes on RNA splicing suggest that this variant may create or strengthen a splice site. In summary, the available evidence is currently insufficient to determine the role of this variant in disease. Therefore, it has been classified as a Variant of Uncertain Significance.

NM_002880.4(RAF1):c.1898A>G (p.Asp633Gly)

Gene: RAF1 (Raf-1 proto-oncogene, serine/threonine kinase; minus strand). Cytogenetic location: 3p25.2.
Variant type: single nucleotide variant.
Coding change: c.1898A>G on transcript NM_002880.4 (MANE Select); coding-DNA position 1898, A replaced by G.
Protein change: p.Asp633Gly; replaces aspartic acid 633 with glycine.
Molecular consequence: missense variant. On other transcripts: non-coding transcript variant (3).
Genome position (GRCh38, 1-based): chr3:12,584,563, T>C on the plus strand (A>G on the coding strand, the complement: RAF1 is on the minus strand). VCF-style: chr3-12584563-T-C. GRCh37 (hg19) VCF-style: chr3-12626062-T-C.
Other names: c.1958A>G, p.Asp653Gly (NM_001354689.3); c.1898A>G, p.Asp633Gly (NM_001354690.3); c.1655A>G, p.Asp552Gly (NM_001354691.3, NM_001354692.3); c.1799A>G, p.Asp600Gly (NM_001354693.3); c.1715A>G, p.Asp572Gly (NM_001354694.3); c.1556A>G, p.Asp519Gly (NM_001354695.3); short protein forms D519G, D600G, D572G, D633G, D552G, D653G.
Identifiers: ClinVar variation 2065031 (VCV002065031.4), dbSNP rs2125316155, ClinGen allele CA351495679.